The following is an entry in ClinVar:

NM_020937.4(FANCM):c.2839A>G (p.Asn947Asp)

Gene: FANCM (FA complementation group M; plus strand). Cytogenetic location: 14q21.2.
Variant type: single nucleotide variant.
Coding change: c.2839A>G on transcript NM_020937.4 (MANE Select); coding-DNA position 2839, A replaced by G.
Protein change: p.Asn947Asp; replaces asparagine 947 with aspartic acid.
Molecular consequence: missense variant.
Genome position (GRCh38, 1-based): chr14:45,175,593, A>G. VCF-style: chr14-45175593-A-G. GRCh37 (hg19) VCF-style: chr14-45644796-A-G.
Other names: c.2761A>G, p.Asn921Asp (NM_001308133.2); short protein forms N921D, N947D.
Identifiers: ClinVar variation 3660039 (VCV003660039.2).

ClinVar aggregate classification (germline): Uncertain significance (1 of 4 stars; one submission).

Conditions:
Fanconi anemia (FA). Also called: Fanconi's anemia. Identifiers: Orphanet 84, MedGen C0015625, MeSH D005199, MONDO:0019391.

Submission:

Labcorp Genetics (formerly Invitae), Labcorp
Classification: Uncertain significance for Fanconi anemia. Last evaluated: 2024-09-12. Review status: criteria provided, single submitter. Criteria: Invitae Variant Classification Sherloc (09022015). Collection method: clinical testing. Allele origin: germline.
Comment: This sequence change replaces asparagine, which is neutral and polar, with aspartic acid, which is acidic and polar, at codon 947 of the FANCM protein (p.Asn947Asp). This variant is not present in population databases (gnomAD no frequency). This variant has not been reported in the literature in individuals affected with FANCM-related conditions. An algorithm developed to predict the effect of missense changes on protein structure and function (PolyPhen-2) suggests that this variant is likely to be tolerated. In summary, the available evidence is currently insufficient to determine the role of this variant in disease. Therefore, it has been classified as a Variant of Uncertain Significance.